The following is an entry in ClinVar:

NM_000175.5(GPI):c.1657C>T (p.Arg553Cys)

Gene: GPI (glucose-6-phosphate isomerase; plus strand). Cytogenetic location: 19q13.11.
Variant type: single nucleotide variant.
Coding change: c.1657C>T on transcript NM_000175.5 (MANE Select); coding-DNA position 1657, C replaced by T.
Protein change: p.Arg553Cys; replaces arginine 553 with cysteine.
Molecular consequence: missense variant.
Genome position (GRCh38, 1-based): chr19:34,400,016, C>T. VCF-style: chr19-34400016-C-T. GRCh37 (hg19) VCF-style: chr19-34890921-C-T.
Other names: p.Arg553Cys; c.1690C>T, p.Arg564Cys (NM_001184722.1); c.1774C>T, p.Arg592Cys (NM_001289789.1); c.1573C>T, p.Arg525Cys (NM_001289790.3); c.1657C>T, p.Arg553Cys (NM_001329909.1, NM_001329910.1); c.1630C>T, p.Arg544Cys (NM_001329911.2); c.1657C>T (NM_000175.3); short protein forms R525C, R544C, R553C, R564C, R592C.
Identifiers: ClinVar variation 2683489 (VCV002683489.2), dbSNP rs1395092687, ClinGen allele CA405246820.

ClinVar aggregate classification (germline): Uncertain significance. Review status: criteria provided, multiple submitters, no conflicts (2 of 4 stars). 2 submissions from 2 submitters: Uncertain significance (2). Last evaluated 2025-06-17.

Conditions:
Inborn genetic diseases. Identifiers: MedGen C0950123, MeSH D030342.

Allele frequency attached by ClinVar (database versions not stated): TOPMed below 0.00001; gnomAD 0.00001; gnomAD exomes 0.00001.
gnomAD v4.1: 19 of 1,612,786 alleles (0.0012%); highest among the groups gnomAD compares: Non-Finnish European, 0.0014%; no homozygotes.

Submissions (2):

Ambry Genetics
Classification: Uncertain significance for Inborn genetic diseases. Last evaluated: 2025-06-17. Review status: criteria provided, single submitter. Criteria: Ambry Variant Classification Scheme 2023. Collection method: clinical testing. Allele origin: germline.

Mayo Clinic Laboratories, Mayo Clinic
Classification: Uncertain significance. Last evaluated: 2023-05-17. Review status: criteria provided, single submitter. Criteria: ACMG Guidelines, 2015. Collection method: clinical testing. Allele origin: germline. Observed: 2 variant alleles.
Comment: PM2